The following is an entry in ClinVar:

NM_020207.7(ERCC6L2):c.1777G>T (p.Val593Phe)

Gene: ERCC6L2 (ERCC excision repair 6 like 2; plus strand). Cytogenetic location: 9q22.32.
Variant type: single nucleotide variant.
Coding change: c.1777G>T on transcript NM_020207.7 (MANE Select); coding-DNA position 1777, G replaced by T.
Protein change: p.Val593Phe; replaces valine 593 with phenylalanine.
Molecular consequence: missense variant. On other transcripts: non-coding transcript variant (1).
Genome position (GRCh38, 1-based): chr9:95,941,479, G>T. VCF-style: chr9-95941479-G-T. GRCh37 (hg19) VCF-style: chr9-98703761-G-T.
Other names: c.1777G>T, p.Val593Phe (NM_001010895.4, NM_001375291.1, NM_001375292.1 and 2 more transcripts); short protein forms V593F.
Identifiers: ClinVar variation 4870588 (VCV004870588.1).

ClinVar aggregate classification (germline): Uncertain significance (1 of 4 stars; one submission).

Conditions:
Inborn genetic diseases. Identifiers: MedGen C0950123, MeSH D030342.

Submission:

Ambry Genetics
Classification: Uncertain significance for Inborn genetic diseases. Last evaluated: 2026-04-12. Review status: criteria provided, single submitter. Criteria: Ambry Variant Classification Scheme 2023. Collection method: clinical testing. Allele origin: germline.
Comment: The p.V593F variant (also known as c.1777G>T), located in coding exon 12 of the ERCC6L2 gene, results from a G to T substitution at nucleotide position 1777. The valine at codon 593 is replaced by phenylalanine, an amino acid with highly similar properties. This amino acid position is conserved. In addition, the in silico prediction for this alteration is inconclusive. Based on the available evidence, the clinical significance of this variant remains unclear.